The following is an entry in ClinVar:

ClinVar aggregate classification (germline): Uncertain significance (1 of 4 stars; one submission).

gnomAD v4.1: 14 of 1,608,428 alleles (0.00087%); highest among the groups gnomAD compares: Non-Finnish European, 0.0012%; no homozygotes.

Submission:

Women's Health and Genetics/Laboratory Corporation of America, LabCorp
Classification: Uncertain significance. Last evaluated: 2024-09-04. Review status: criteria provided, single submitter. Criteria: LabCorp Variant Classification Summary - May 2015. Collection method: clinical testing. Allele origin: germline.
Comment: Variant summary: ERBB4 c.1130C>G (p.Pro377Arg) results in a non-conservative amino acid change located in the Receptor L-domain (IPR000494) of the encoded protein sequence. Three of five in-silico tools predict a benign effect of the variant on protein function. The variant allele was found at a frequency of 1.2e-05 in 251384 control chromosomes. The available data on variant occurrences in the general population are insufficient to allow any conclusion about variant significance. To our knowledge, no occurrence of c.1130C>G in individuals affected with Amyotrophic Lateral Sclerosis Type 19 and no experimental evidence demonstrating its impact on protein function have been reported. No submitters have cited clinical-significance assessments for this variant to ClinVar. Based on the evidence outlined above, the variant was classified as uncertain significance.

NM_005235.3(ERBB4):c.1130C>G (p.Pro377Arg)

Gene: ERBB4 (erb-b2 receptor tyrosine kinase 4; minus strand). Cytogenetic location: 2q34.
Variant type: single nucleotide variant.
Coding change: c.1130C>G on transcript NM_005235.3 (MANE Select); coding-DNA position 1130, C replaced by G.
Protein change: p.Pro377Arg; replaces proline 377 with arginine.
Molecular consequence: missense variant.
Genome position (GRCh38, 1-based): chr2:211,705,386, G>C on the plus strand (C>G on the coding strand, the complement: ERBB4 is on the minus strand). VCF-style: chr2-211705386-G-C. GRCh37 (hg19) VCF-style: chr2-212570111-G-C.
Other names: c.1130C>G, p.Pro377Arg (NM_001042599.2); short protein forms P377R.
Identifiers: ClinVar variation 3375075 (VCV003375075.1).